The following is an entry in ClinVar:

ClinVar aggregate classification (germline): Conflicting classifications of pathogenicity. Review status: criteria provided, conflicting classifications (1 of 4 stars). 3 submissions from 3 submitters: Likely pathogenic (2); Uncertain significance (1). Last evaluated 2026-03-25.

Conditions:
Cardiovascular phenotype. Identifiers: MedGen CN230736.
Osteogenesis imperfecta type I (OI1). Also called: Lobstein disease; OI, TYPE I; OSTEOGENESIS IMPERFECTA TARDA; OSTEOGENESIS IMPERFECTA WITH BLUE SCLERAE; Osteogenesis imperfecta type 1; Lobstein's Disease. Identifiers: Orphanet 216796, Orphanet 666, MedGen C0023931, MONDO:0008146, OMIM 166200. Disease mechanism: loss of function.
Ehlers-Danlos syndrome, classic type, 1 (EDSCL1). Also called: EDS I; EHLERS-DANLOS SYNDROME, GRAVIS TYPE; EHLERS-DANLOS SYNDROME, SEVERE CLASSIC TYPE; Ehlers-Danlos syndrome, type 1; Ehlers-Danlos Syndrome, Classic Type, COL5A1-Related. Identifiers: MedGen C0268335, MONDO:0019567, OMIM 130000.

Allele frequency attached by ClinVar (database versions not stated): ExAC 0.00002; gnomAD exomes 0.00003; gnomAD 0.00002; TOPMed 0.00002.
gnomAD v4.1: 45 of 1,614,002 alleles (0.0028%); highest among the groups gnomAD compares: Non-Finnish European, 0.0036%; no homozygotes.

Submissions (3):

Ambry Genetics
Classification: Uncertain significance for Cardiovascular phenotype. Last evaluated: 2026-03-25. Review status: criteria provided, single submitter. Criteria: Ambry Variant Classification Scheme 2023. Collection method: clinical testing. Allele origin: germline.
Comment: The p.G904A variant (also known as c.2711G>C), located in coding exon 42 of the COL1A2 gene, results from a G to C substitution at nucleotide position 2711. The glycine at codon 904 is replaced by alanine, an amino acid with similar properties. The majority of pathogenic mutations identified to date in COL1A2 have involved the substitution of another amino acid for glycine within the triple-helical domain (Dagleish R.Nucleic Acids Res.1997 Jan 1;25(1):181-7; Marini JC et al.Hum Mutat.2007 Mar;28(3):209-21; Bardai G et al.Osteoporos Int2016 Dec;27(12):3607-3613). Internal structural analysis indicates that this alteration disrupts the characteristic G-X-Y motif in theCOL1A2protein and inserts a bulky side chain into asterically-constrainedregion (Bella J et al.Science.1994;266:75-81;HohenesterE et al.Proc. Natl.Acad. Sci. U.S.A.2008;105:18273-7; Ambry internal data). This amino acid position is highly conserved in available vertebrate species. In addition, this alteration is predicted to be deleterious by in silico analysis. Based on the available evidence, the clinical significance of this variant remains unclear.

Labcorp Genetics (formerly Invitae), Labcorp
Classification: Likely pathogenic for Osteogenesis imperfecta type I; Ehlers-Danlos syndrome, classic type, 1. Last evaluated: 2026-01-11. Review status: criteria provided, single submitter. Criteria: Invitae Variant Classification Sherloc (09022015). Collection method: clinical testing. Allele origin: germline.
Comment: This sequence change replaces glycine, which is neutral and non-polar, with alanine, which is neutral and non-polar, at codon 904 of the COL1A2 protein (p.Gly904Ala). This variant is present in population databases (rs775246283, gnomAD 0.004%). This variant has not been reported in the literature in individuals affected with COL1A2-related conditions. ClinVar contains an entry for this variant (Variation ID: 2922855). Invitae Evidence Modeling of protein sequence and biophysical properties (such as structural, functional, and spatial information, amino acid conservation, physicochemical variation, residue mobility, and thermodynamic stability) indicates that this missense variant is expected to disrupt COL1A2 protein function with a positive predictive value of 95%. This variant disrupts the triple helix domain of COL1A2. Glycine residues within the Gly-Xaa-Yaa repeats of the triple helix domain are required for the structure and stability of fibrillar collagens (PMID: 7695699, 8218237, 19344236). In COL1A2, variants affecting these glycine residues are significantly enriched in individuals with disease (PMID: 9016532, 17078022) compared to the general population (ExAC). In summary, the currently available evidence indicates that the variant is pathogenic, but additional data are needed to prove that conclusively. Therefore, this variant has been classified as Likely Pathogenic.

GeneDx
Classification: Likely pathogenic. Last evaluated: 2024-07-12. Review status: criteria provided, single submitter. Criteria: GeneDx Variant Classification Process June 2021. Collection method: clinical testing. Allele origin: germline. Affected: yes.
Comment: Has not been previously published as pathogenic or benign to our knowledge; Not observed at significant frequency in large population cohorts (gnomAD); Occurs in the triple helical domain and replaces a glycine in a canonical Gly-X-Y repeat; missense substitution of a canonical glycine residue is expected to disrupt normal protein folding and function, and this is an established mechanism of disease (PMID: 34007986); In silico analysis supports that this missense variant has a deleterious effect on protein structure/function; This variant is associated with the following publications: (PMID: 34007986)

Literature cited by the submitters: PubMed 7695699 (cited by Labcorp Genetics (formerly Invitae), Labcorp); PubMed 8218237 (cited by Labcorp Genetics (formerly Invitae), Labcorp); PubMed 19344236 (cited by Labcorp Genetics (formerly Invitae), Labcorp); PubMed 9016532 (cited by Labcorp Genetics (formerly Invitae), Labcorp); PubMed 17078022 (cited by Labcorp Genetics (formerly Invitae), Labcorp).

NM_000089.4(COL1A2):c.2711G>C (p.Gly904Ala)

Gene: COL1A2 (collagen type I alpha 2 chain; plus strand). Cytogenetic location: 7q21.3.
Variant type: single nucleotide variant.
Coding change: c.2711G>C on transcript NM_000089.4 (MANE Select); coding-DNA position 2711, G replaced by C.
Protein change: p.Gly904Ala; replaces glycine 904 with alanine.
Molecular consequence: missense variant.
Genome position (GRCh38, 1-based): chr7:94,425,154, G>C. VCF-style: chr7-94425154-G-C. GRCh37 (hg19) VCF-style: chr7-94054466-G-C.
Other names: short protein forms G904A.
Identifiers: ClinVar variation 2922855 (VCV002922855.5), dbSNP rs775246283, ClinGen allele CA4347540.